The following is an entry in ClinVar:

ClinVar aggregate classification (germline): Uncertain significance. Review status: criteria provided, multiple submitters, no conflicts (2 of 4 stars). 2 submissions from 2 submitters: Uncertain significance (2). Last evaluated 2024-08-12.

Conditions:
Inborn genetic diseases. Identifiers: MedGen C0950123, MeSH D030342.

Allele frequency attached by ClinVar (database versions not stated): ExAC 0.00002; TOPMed 0.00005.
gnomAD v4.1: 15 of 1,613,716 alleles (0.00093%); highest among the groups gnomAD compares: Non-Finnish European, 0.00068%; no homozygotes.

Submissions (2):

Ambry Genetics
Classification: Uncertain significance for Inborn genetic diseases. Last evaluated: 2024-08-12. Review status: criteria provided, single submitter. Criteria: Ambry Variant Classification Scheme 2023. Collection method: clinical testing. Allele origin: germline.

Labcorp Genetics (formerly Invitae), Labcorp
Classification: Uncertain significance. Last evaluated: 2023-07-10. Review status: criteria provided, single submitter. Criteria: Invitae Variant Classification Sherloc (09022015). Collection method: clinical testing. Allele origin: germline.
Comment: An algorithm developed to predict the effect of missense changes on protein structure and function (PolyPhen-2) suggests that this variant is likely to be disruptive. In summary, the available evidence is currently insufficient to determine the role of this variant in disease. Therefore, it has been classified as a Variant of Uncertain Significance. This variant has not been reported in the literature in individuals affected with ROBO1-related conditions. This variant is present in population databases (rs767826126, gnomAD 0.003%). This sequence change replaces glutamine, which is neutral and polar, with proline, which is neutral and non-polar, at codon 543 of the ROBO1 protein (p.Gln543Pro).

NM_002941.4(ROBO1):c.1628A>C (p.Gln543Pro)

Gene: ROBO1 (roundabout guidance receptor 1; minus strand). Cytogenetic location: 3p12.3.
Variant type: single nucleotide variant.
Coding change: c.1628A>C on transcript NM_002941.4 (MANE Select); coding-DNA position 1628, A replaced by C.
Protein change: p.Gln543Pro; replaces glutamine 543 with proline.
Molecular consequence: missense variant.
Genome position (GRCh38, 1-based): chr3:78,668,486, T>G on the plus strand (A>C on the coding strand, the complement: ROBO1 is on the minus strand). VCF-style: chr3-78668486-T-G. GRCh37 (hg19) VCF-style: chr3-78717636-T-G.
Other names: c.1520A>C, p.Gln507Pro (NM_001145844.1, NM_001145845.2, NM_133631.4); c.1628A>C (NM_002941.3); short protein forms Q507P, Q543P.
Identifiers: ClinVar variation 2883310 (VCV002883310.4), dbSNP rs767826126, ClinGen allele CA2498910.
Genomic context (GRCh38, chr3:78,668,486, plus strand): 5'-GTAAGTAAACAACTGCATTTTAAGCTTCACTTTAAGGGAAACACACCATTTACTTTACCT[T>G]GAACTTCAATGTAAGCACTCCATGTTGCTTCACCACTGGGGGTTGATGCAATGCAGGTGT-3'
Protein context (NP_002932.1, residues 533-553): EATWSAYIEV[Gln543Pro]EFGVPVQPPR